The following is an entry in ClinVar:

ClinVar aggregate classification (germline): Uncertain significance. Review status: criteria provided, multiple submitters, no conflicts (2 of 4 stars). 2 submissions from 2 submitters: Uncertain significance (2). Last evaluated 2024-12-27.

Conditions:
CFTR-related disorder (CFTR-RD). Also called: CFTR-related disorders; CFTR-related condition. Identifiers: MedGen C5924204, MONDO:7770004.
Cystic fibrosis (CF). Also called: MUCOVISCIDOSIS. Identifiers: Orphanet 586, MedGen C0010674, MONDO:0009061, OMIM 219700. Disease mechanism: loss of function.

Allele frequency attached by ClinVar (database versions not stated): TOPMed 0.00001.

Submissions (2):

PreventionGenetics, part of Exact Sciences
Classification: Uncertain significance for CFTR-related condition. Last evaluated: 2024-12-27. Review status: criteria provided, single submitter. Criteria: ACMG Guidelines, 2015. Collection method: clinical testing. Allele origin: germline.
Comment: The CFTR c.3958G>C variant is predicted to result in the amino acid substitution p.Asp1320His. To our knowledge, this variant has not been reported in the literature or in a large population database (gnomAD), indicating this variant is rare. At this time, the clinical significance of this variant is uncertain due to the absence of conclusive functional and genetic evidence.

Ambry Genetics
Classification: Uncertain significance for Cystic fibrosis. Last evaluated: 2022-08-09. Review status: criteria provided, single submitter. Criteria: Ambry Variant Classification Scheme 2023. Collection method: clinical testing. Allele origin: germline.
Comment: The p.D1320H variant (also known as c.3958G>C), located in coding exon 24 of the CFTR gene, results from a G to C substitution at nucleotide position 3958. The aspartic acid at codon 1320 is replaced by histidine, an amino acid with similar properties. This amino acid position is conserved. In addition, the in silico prediction for this alteration is inconclusive. Since supporting evidence is limited at this time, the clinical significance of this alteration remains unclear.

NM_000492.4(CFTR):c.3958G>C (p.Asp1320His)

Gene: CFTR (CF transmembrane conductance regulator; plus strand). Cytogenetic location: 7q31.2.
Variant type: single nucleotide variant.
Coding change: c.3958G>C on transcript NM_000492.4 (MANE Select); coding-DNA position 3958, G replaced by C.
Protein change: p.Asp1320His; replaces aspartic acid 1320 with histidine.
Molecular consequence: missense variant.
Genome position (GRCh38, 1-based): chr7:117,652,926, G>C. VCF-style: chr7-117652926-G-C. GRCh37 (hg19) VCF-style: chr7-117292980-G-C.
Other names: short protein forms D1320H.
Identifiers: ClinVar variation 1736483 (VCV001736483.3), dbSNP rs1330926045, ClinGen allele CA368978692.